The following is an entry in ClinVar:

ClinVar aggregate classification (germline): Uncertain significance. Review status: criteria provided, multiple submitters, no conflicts (2 of 4 stars). 2 submissions from 2 submitters: Uncertain significance (2). Last evaluated 2025-07-21.

Submissions (2):

Labcorp Genetics (formerly Invitae), Labcorp
Classification: Uncertain significance. Last evaluated: 2025-07-21. Review status: criteria provided, single submitter. Criteria: Invitae Variant Classification Sherloc (09022015). Collection method: clinical testing. Allele origin: germline.
Comment: This sequence change falls in intron 19 of the COL9A2 gene. It does not directly change the encoded amino acid sequence of the COL9A2 protein. It affects a nucleotide within the consensus splice site. This variant is not present in population databases (gnomAD no frequency). This variant has been observed in individual(s) with autosomal recessive Stickler syndrome (PMID: 37217689). This variant is also known as c.1008+1_1008+4delGTAA. Variants that disrupt the consensus splice site are a relatively common cause of aberrant splicing (PMID: 17576681, 9536098). Algorithms developed to predict the effect of sequence changes on RNA splicing suggest that this variant may disrupt the consensus splice site. In summary, the available evidence is currently insufficient to determine the role of this variant in disease. Therefore, it has been classified as a Variant of Uncertain Significance.

Blueprint Genetics
Classification: Uncertain significance. Last evaluated: 2023-03-06. Review status: criteria provided, single submitter. Criteria: ACMG Guidelines, 2015. Collection method: clinical testing. Allele origin: germline.

Literature cited by the submitters: PubMed 37217689 (cited by Labcorp Genetics (formerly Invitae), Labcorp); PubMed 17576681 (cited by Labcorp Genetics (formerly Invitae), Labcorp); PubMed 9536098 (cited by Labcorp Genetics (formerly Invitae), Labcorp).

NM_001852.4(COL9A2):c.1008+3_1008+6del

Gene: COL9A2 (collagen type IX alpha 2 chain; minus strand). Cytogenetic location: 1p34.2.
Variant type: Deletion.
Coding change: c.1008+3_1008+6del on transcript NM_001852.4 (MANE Select); bases 3 to 6 of the intron after coding-DNA position 1008, 4 bases deleted (AAGT; older notation c.1008+3_1008+6delAAGT).
Molecular consequence: splice donor variant.
Genome position (GRCh38, 1-based): chr1:40,307,440-40,307,443, ACTT deleted on the plus strand (AAGT on the coding strand, the reverse complement: COL9A2 is on the minus strand); deleting any 4 consecutive bases within chr1:40,307,440-40,307,445 gives the same sequence; the c. name uses the placement nearest the transcript's 3' end. VCF-style (leftmost placement, unchanged base first): chr1-40307439-CACTT-C. GRCh37 (hg19) VCF-style: chr1-40773111-CACTT-C.
Identifiers: ClinVar variation 4774535 (VCV004774535.2).